The following is an entry in ClinVar:

NM_001395413.1(POR):c.1707G>A (p.Ser569=)

Gene: POR (cytochrome p450 oxidoreductase; plus strand). Cytogenetic location: 7q11.23.
Variant type: single nucleotide variant.
Coding change: c.1707G>A on transcript NM_001395413.1 (MANE Select); coding-DNA position 1707, G replaced by A.
Protein change: p.Ser569=; no amino-acid change (serine 569 retained).
Molecular consequence: synonymous variant.
Genome position (GRCh38, 1-based): chr7:75,985,969, G>A. VCF-style: chr7-75985969-G-A. GRCh37 (hg19) VCF-style: chr7-75615287-G-A.
Other names: c.1707G>A, p.Ser569= (NM_001367562.3, NM_001382657.2, NM_001382658.3 and 1 more transcripts); c.1761G>A, p.Ser587= (NM_001382655.3); c.1557G>A, p.Ser519= (NM_001382662.3).
Identifiers: ClinVar variation 256841 (VCV000256841.41), dbSNP rs1057870, ClinGen allele CA4304261.
Genomic context (GRCh38, chr7:75,985,969, plus strand): 5'-CCCCTGCCACGCAGGCAAGGAGGTGGGGGAGACGCTGCTGTACTACGGCTGCCGCCGCTC[G>A]GATGAGGACTACCTGTACCGGGAGGAGCTGGCGCAGTTCCACAGGGACGGTGCGCTCACC-3'
Protein context (NP_001382342.1, residues 559-579): ETLLYYGCRR[Ser569=]DEDYLYREEL

ClinVar aggregate classification (germline): Benign. Review status: criteria provided, multiple submitters, no conflicts (2 of 4 stars). 11 submissions from 11 submitters: Benign (9). 2 of the submissions do not count toward it. Last evaluated 2026-02-04.

Conditions:
Congenital adrenal hyperplasia due to cytochrome P450 oxidoreductase deficiency. Also called: DISORDERED STEROIDOGENESIS DUE TO POR DEFICIENCY. Identifiers: Orphanet 95699, MedGen C1860042, MONDO:0013310, OMIM 613571.
21-Hydroxylase-Deficient Congenital Adrenal Hyperplasia. Also called: ADRENAL HYPERPLASIA III; ADRENAL HYPERPLASIA, CONGENITAL, DUE TO 21-HYDROXYLASE DEFICIENCY. Identifiers: MedGen C2936858, OMIM 201910.

Allele frequency attached by ClinVar (database versions not stated): 1000 Genomes Project 30x 0.19425; 1000 Genomes Project 0.19529; TOPMed 0.26652; gnomAD exomes 0.27955 and 0.33867; gnomAD 0.28064 and 0.28425; ESP Exome Variant Server 0.28530; ExAC 0.38105.
gnomAD v4.1: 526,237 of 1,584,318 alleles (33%); highest among the groups gnomAD compares: Non-Finnish European, 37%; 92,226 homozygotes.

Submissions (11):

Labcorp Genetics (formerly Invitae), Labcorp
Classification: Benign for Congenital adrenal hyperplasia due to cytochrome P450 oxidoreductase deficiency. Last evaluated: 2026-02-04. Review status: criteria provided, single submitter. Criteria: Invitae Variant Classification Sherloc (09022015). Collection method: clinical testing. Allele origin: germline.

ARUP Laboratories, Molecular Genetics and Genomics, ARUP Laboratories
Classification: Benign. Last evaluated: 2025-07-22. Review status: criteria provided, single submitter. Criteria: ARUP Molecular Germline Variant Investigation Process 2024. Collection method: clinical testing. Allele origin: germline.

Blueprint Genetics
Classification: Benign. Last evaluated: 2024-11-27. Review status: criteria provided, single submitter. Criteria: ACMG Guidelines, 2015. Collection method: clinical testing. Allele origin: germline.

Victorian Clinical Genetics Services, Murdoch Childrens Research Institute
Classification: Benign for Congenital adrenal hyperplasia due to cytochrome P450 oxidoreductase deficiency. Last evaluated: 2022-06-24. Review status: criteria provided, single submitter. Criteria: ACMG Guidelines, 2015. Collection method: clinical testing. Allele origin: germline. Inheritance: Autosomal recessive inheritance.
Comment: Based on the classification scheme VCGS_Germline_v1.3.4, this variant is classified as Benign. Following criteria are met: 0102 - Loss of function is a known mechanism of disease in this gene and is associated with disordered steroidogenesis due to cytochrome P450 oxidoreductase (MIM#613571) and Antley-Bixler syndrome with genital anomalies and disordered steroidogenesis (MIM#201750). (I) 0106 - This gene is associated with autosomal recessive disease. (I) 0212 - Non-canonical splice site variant without proven consequence on splicing (no functional evidence available). (I) 0252 - This variant is homozygous. (I) 0308 - Population frequency for this variant is out of keeping with known incidence of disordered steroidogenesis due to cytochrome P450 oxidoreductase (MIM#613571) and Antley-Bixler syndrome with genital anomalies and disordered steroidogenesis (MIM#201750) (gnomAD v2: 44162 heterozygotes, 10290 homozygotes). (SB) 0506 - Abnormal splicing is not predicted and nucleotide is poorly conserved. (SB) 0600 - Variant is located in the annotated oxidoreductase NAD-binding domain (DECIPHER). (I) 0705 - No comparable single nucleotide substitution variants have previous evidence for pathogenicity. (I) 0805 - This variant has strong previous evidence of being benign in unrelated individuals. It has frequently been reported as benign or a polymorphism, including in individuals with POH or 21 hydroxylase deficiency (ClinVar, PMIDs: 27376429, 33666875). (SB) 1208 - Inheritance information for this variant is not currently available in this individual. (I) Legend: (SP) - Supporting pathogenic, (I) - Information, (SB) - Supporting benign

Illumina Laboratory Services, Illumina
Classification: Benign for Congenital adrenal hyperplasia due to cytochrome P450 oxidoreductase deficiency. Last evaluated: 2018-01-13. Review status: criteria provided, single submitter. Criteria: ICSL Variant Classification Criteria 13 December 2019. Collection method: clinical testing. Allele origin: germline.
Comment: This variant was observed in the ICSL laboratory as part of a predisposition screen in an ostensibly healthy population. It had not been previously curated by ICSL or reported in the Human Gene Mutation Database (HGMD: prior to June 1st, 2018), and was therefore a candidate for classification through an automated scoring system. Utilizing variant allele frequency, disease prevalence and penetrance estimates, and inheritance mode, an automated score was calculated to assess if this variant is too frequent to cause the disease. Based on the score and internal cut-off values, a variant classified as benign is not then subjected to further curation. The score for this variant resulted in a classification of benign for this disease.

GeneDx
Classification: Benign. Last evaluated: 2015-03-03. Review status: criteria provided, single submitter. Criteria: GeneDx Variant Classification Process June 2021. Collection method: clinical testing. Allele origin: germline. Affected: yes.

Breakthrough Genomics
Classification: Benign. Review status: criteria provided, single submitter. Criteria: ACMG Guidelines, 2015. Collection method: not provided. Allele origin: germline. Inheritance: Autosomal recessive inheritance. Affected: yes.

Pecori Giraldi Lab, University of Milan
Classification: Benign for 21-Hydroxylase-Deficient Congenital Adrenal Hyperplasia. Review status: criteria provided, single submitter. Criteria: ACMG Guidelines, 2015. Collection method: case-control. Allele origin: germline. Affected: yes and no.

PreventionGenetics, part of Exact Sciences
Classification: Benign. Review status: criteria provided, single submitter. Criteria: ACMG Guidelines, 2015. Collection method: clinical testing. Allele origin: germline.

Diagnostic Laboratory, Department of Genetics, University Medical Center Groningen
Classification: Benign. Review status: no assertion criteria provided. Collection method: clinical testing. Allele origin: germline. Affected: yes. Study: VKGL Data-share Consensus. Not counted in ClinVar's aggregate classification.

Joint Genome Diagnostic Labs from Nijmegen and Maastricht, Radboudumc and MUMC+
Classification: Benign. Review status: no assertion criteria provided. Collection method: clinical testing. Allele origin: germline. Affected: yes. Study: VKGL Data-share Consensus. Not counted in ClinVar's aggregate classification.

Literature cited by the submitters: PubMed 27376429 (cited by Victorian Clinical Genetics Services, Murdoch Childrens Research Institute); PubMed 33666875 (cited by Victorian Clinical Genetics Services, Murdoch Childrens Research Institute and Pecori Giraldi Lab, University of Milan); PubMed 27068427 (cited by Pecori Giraldi Lab, University of Milan); PubMed 21070833 (cited by Pecori Giraldi Lab, University of Milan); PubMed 24847272 (cited by Pecori Giraldi Lab, University of Milan).